The following is an entry in ClinVar:

NM_138694.4(PKHD1):c.3376del (p.Leu1126fs)

Gene: PKHD1 (PKHD1 ciliary IPT domain containing fibrocystin/polyductin; minus strand). Cytogenetic location: 6p12.2.
Variant type: Deletion.
Coding change: c.3376del on transcript NM_138694.4 (MANE Select); coding-DNA position 3376, one base deleted (C; older notation c.3376delC).
Protein change: p.Leu1126fs; shifts the reading frame from leucine 1126.
Molecular consequence: frameshift variant.
Genome position (GRCh38, 1-based): chr6:52,028,340, G deleted on the plus strand (C on the coding strand, the reverse complement: PKHD1 is on the minus strand); the first of 3 consecutive G bases (chr6:52,028,340-52,028,342); deleting any one gives the same sequence. VCF-style (leftmost placement, unchanged base first): chr6-52028339-AG-A. GRCh37 (hg19) VCF-style: chr6-51893137-AG-A.
Other names: c.3376del, p.Leu1126fs (NM_170724.3); short protein forms L1126fs.
Identifiers: ClinVar variation 4816632 (VCV004816632.2).

ClinVar aggregate classification (germline): Pathogenic/Likely pathogenic. Review status: criteria provided, multiple submitters, no conflicts (2 of 4 stars). 2 submissions from 2 submitters: Pathogenic (1); Likely pathogenic (1). Last evaluated 2025-12-12.

Conditions:
Autosomal recessive polycystic kidney disease (ARPKD). Also called: AR polycystic kidney disease. Identifiers: Orphanet 731, Orphanet 8378, MedGen C0085548, MeSH D017044, MONDO:0009889.
PKHD1-related disorder. Also called: PKHD1-related condition.

Submissions (2):

PreventionGenetics, part of Exact Sciences
Classification: Pathogenic for PKHD1-related condition. Last evaluated: 2025-12-12. Review status: criteria provided, single submitter. Criteria: ACMG Guidelines, 2015. Collection method: clinical testing. Allele origin: germline.
Comment: The PKHD1 c.3376delC variant is predicted to result in a frameshift and premature protein termination (p.Leu1126Trpfs*8). To our knowledge, this variant has not been reported in the literature or in a large population database (gnomAD), indicating this variant is rare. Frameshift variants in PKHD1 are expected to be pathogenic. This variant is interpreted as pathogenic.

Natera, Inc.
Classification: Likely pathogenic for Autosomal recessive polycystic kidney disease. Last evaluated: 2025-10-16. Review status: criteria provided, single submitter. Criteria: Natera Variant Classification Schema (03/2026). Collection method: clinical testing. Allele origin: germline.
Comment: The c.3376delC variant in PKHD1 is a frameshift variant predicted to shift the reading frame beginning at codon 1126 and leads to a stop codon 8 codons downstream. This variant is expected to result in nonsense mediated decay, truncation, or a dysfunctional protein product. This variant is rare in the general population with a frequency below the threshold expected for the associated phenotype(s). Given the available evidence, this variant is classified as Likely Pathogenic.